The following is an entry in ClinVar:

ClinVar aggregate classification (germline): Benign/Likely benign. Review status: criteria provided, multiple submitters, no conflicts (2 of 4 stars). 6 submissions from 6 submitters: Benign (1); Likely benign (3). 2 of the submissions do not count toward it. Last evaluated 2026-05-13.

Allele frequency attached by ClinVar (database versions not stated): gnomAD exomes 0.00035 and 0.00096; ExAC 0.00164; ESP Exome Variant Server 0.00193; gnomAD 0.00314 and 0.00323; TOPMed 0.00378; 1000 Genomes Project 30x 0.00547; 1000 Genomes Project 0.00579.
gnomAD v4.1: 1,011 of 1,583,472 alleles (0.064%); highest among the groups gnomAD compares: African/African-American, 1%; 4 homozygotes.

Submissions (6):

Women's Health and Genetics/Laboratory Corporation of America, LabCorp
Classification: Likely benign. Last evaluated: 2026-05-13. Review status: criteria provided, single submitter. Criteria: LabCorp Variant Classification Summary - May 2015. Collection method: clinical testing. Allele origin: germline.

Labcorp Genetics (formerly Invitae), Labcorp
Classification: Benign. Last evaluated: 2026-02-02. Review status: criteria provided, single submitter. Criteria: Invitae Variant Classification Sherloc (09022015). Collection method: clinical testing. Allele origin: germline.

Blueprint Genetics
Classification: Likely benign. Last evaluated: 2024-09-11. Review status: criteria provided, single submitter. Criteria: ACMG Guidelines, 2015. Collection method: clinical testing. Allele origin: germline.

GeneDx
Classification: Likely benign. Last evaluated: 2017-12-29. Review status: criteria provided, single submitter. Criteria: GeneDx Variant Classification (06012015). Collection method: clinical testing. Allele origin: germline. Affected: yes.
Comment: This variant is considered likely benign or benign based on one or more of the following criteria: it is a conservative change, it occurs at a poorly conserved position in the protein, it is predicted to be benign by multiple in silico algorithms, and/or has population frequency not consistent with disease.

Clinical Genetics, Academic Medical Center
Classification: Benign. Review status: no assertion criteria provided. Collection method: clinical testing. Allele origin: germline. Affected: yes. Study: VKGL Data-share Consensus. Not counted in ClinVar's aggregate classification.

Genome Diagnostics Laboratory, Amsterdam University Medical Center
Classification: Likely benign. Review status: no assertion criteria provided. Collection method: clinical testing. Allele origin: germline. Affected: yes. Study: VKGL Data-share Consensus. Not counted in ClinVar's aggregate classification.

NM_001851.6(COL9A1):c.1395+14T>A

Gene: COL9A1 (collagen type IX alpha 1 chain; minus strand). Cytogenetic location: 6q13.
Variant type: single nucleotide variant.
Coding change: c.1395+14T>A on transcript NM_001851.6 (MANE Select); 14 bases into the intron after coding-DNA position 1395, T replaced by A.
Molecular consequence: intron variant.
Genome position (GRCh38, 1-based): chr6:70,263,230, A>T on the plus strand (T>A on the coding strand, the complement: COL9A1 is on the minus strand). VCF-style: chr6-70263230-A-T. GRCh37 (hg19) VCF-style: chr6-70972933-A-T.
Other names: c.666+14T>A (NM_001377290.1, NM_078485.4, NM_001377289.1).
Identifiers: ClinVar variation 506469 (VCV000506469.16), dbSNP rs367801990, ClinGen allele CA3882246.